The following is an entry in ClinVar:

ClinVar aggregate classification (germline): Pathogenic. Review status: criteria provided, multiple submitters, no conflicts (2 of 4 stars). 2 submissions from 2 submitters: Pathogenic (2). Last evaluated 2022-12-26.

Conditions:
Early-infantile DEE. Also called: Early infantile epileptic encephalopathy; Early infantile epileptic encephalopathy with suppression bursts; Ohtahara syndrome. Identifiers: Orphanet 1934, MedGen C0393706, MONDO:0800491.
Severe myoclonic epilepsy in infancy (DRVT). Also called: Epileptic encephalopathy, early infantile, 6 (Dravet syndrome); SEVERE MYOCLONIC EPILEPSY OF INFANCY; DEVELOPMENTAL AND EPILEPTIC ENCEPHALOPATHY 6A; Severe Myoclonic Epilepsy in Infancy (SMEI); Dravet syndrome. Identifiers: Orphanet 33069, MedGen C0751122, MONDO:0100135, OMIM 607208.

Submissions (2):

Labcorp Genetics (formerly Invitae), Labcorp
Classification: Pathogenic for Early-infantile DEE. Last evaluated: 2022-12-26. Review status: criteria provided, single submitter. Criteria: Invitae Variant Classification Sherloc (09022015). Collection method: clinical testing. Allele origin: germline.
Comment: ClinVar contains an entry for this variant (Variation ID: 1705827). For these reasons, this variant has been classified as Pathogenic. This premature translational stop signal has been observed in individual(s) with Dravet syndrome (PMID: 32702657). This variant is not present in population databases (gnomAD no frequency). This sequence change creates a premature translational stop signal (p.Tyr1460*) in the SCN1A gene. It is expected to result in an absent or disrupted protein product. Loss-of-function variants in SCN1A are known to be pathogenic (PMID: 17347258, 18930999).

Unidad de Genómica Garrahan, Hospital de Pediatría Garrahan
Classification: Pathogenic for Severe myoclonic epilepsy in infancy. Last evaluated: 2018-10-31. Review status: criteria provided, single submitter. Criteria: ACMG Guidelines, 2015. Collection method: clinical testing. Allele origin: de novo. Affected: yes.

Literature cited by the submitters: PubMed 32702657 (cited by Labcorp Genetics (formerly Invitae), Labcorp); PubMed 17347258 (cited by Labcorp Genetics (formerly Invitae), Labcorp); PubMed 18930999 (cited by Labcorp Genetics (formerly Invitae), Labcorp).

NM_001165963.4(SCN1A):c.4380T>A (p.Tyr1460Ter)

Genes: SCN1A (sodium voltage-gated channel alpha subunit 1; minus strand), LOC102724058 (uncharacterized LOC102724058; plus strand). Cytogenetic location: 2q24.3.
Variant type: single nucleotide variant.
Coding change: c.4380T>A on transcript NM_001165963.4 (MANE Select); coding-DNA position 4380, T replaced by A.
Protein change: p.Tyr1460Ter; replaces tyrosine 1460 with a stop codon.
Molecular consequence: nonsense. On other transcripts: non-coding transcript variant (1).
Genome position (GRCh38, 1-based): chr2:165,998,134, A>T on the plus strand (T>A on the coding strand, the complement: SCN1A is on the minus strand). VCF-style: chr2-165998134-A-T. GRCh37 (hg19) VCF-style: chr2-166854644-A-T.
Other names: c.4296T>A, p.Tyr1432Ter (NM_001165964.3, NM_001353957.2, NM_001353958.2); c.4380T>A, p.Tyr1460Ter (NM_001202435.3, NM_001353948.2); c.4347T>A, p.Tyr1449Ter (NM_001353949.2, NM_001353950.2, NM_001353951.2 and 2 more transcripts); c.4344T>A, p.Tyr1448Ter (NM_001353954.2, NM_001353955.2); c.4293T>A, p.Tyr1431Ter (NM_001353960.2); c.1938T>A, p.Tyr646Ter (NM_001353961.2); short protein forms Y1431*, Y1432*, Y1448*, Y1449*, Y1460*, Y646*.
Identifiers: ClinVar variation 1705827 (VCV001705827.5), dbSNP rs2468394870, ClinGen allele CA349049420.